The following is an entry in ClinVar:

NM_001130987.2(DYSF):c.1034-64C>T

Gene: DYSF (dysferlin; plus strand). Cytogenetic location: 2p13.2.
Variant type: single nucleotide variant.
Coding change: c.1034-64C>T on transcript NM_001130987.2 (MANE Select); 64 bases into the intron before coding-DNA position 1034, C replaced by T.
Molecular consequence: intron variant.
Genome position (GRCh38, 1-based): chr2:71,520,725, C>T. VCF-style: chr2-71520725-C-T. GRCh37 (hg19) VCF-style: chr2-71747855-C-T.
Other names: c.1031-64C>T (NM_001130979.2, NM_001130981.2, NM_001130980.2); c.938-64C>T (NM_001130978.2, NM_003494.4, NM_001130977.2 and 1 more transcripts); c.1034-64C>T (NM_001130982.2, NM_001130985.2); c.941-64C>T (NM_001130983.2, NM_001130455.2, NM_001130984.2 and 1 more transcripts).
Identifiers: ClinVar variation 681743 (VCV000681743.5), dbSNP rs55695728, ClinGen allele CA11017523.
Genomic context (GRCh38, chr2:71,520,725, plus strand): 5'-TGAGCTCATGGCCCAGCGGATGAGTCCTTTACCTCCCCTGTGCAGTCCATCCTGGGTTCC[C>T]GGATGTGGCCACAGCCTGGGGTCTTCTGATTCTGGGATCACCAGAGGATGTTGTCTCTCT-3'

ClinVar aggregate classification (germline): Benign. Review status: criteria provided, multiple submitters, no conflicts (2 of 4 stars). 3 submissions from 3 submitters: Benign (3). Last evaluated 2021-06-10.

Conditions:
Miyoshi muscular dystrophy 1 (MMD1). Identifiers: Orphanet 45448, MedGen C4551973, MONDO:0024545, OMIM 254130.

Allele frequency attached by ClinVar (database versions not stated): 1000 Genomes Project 0.09125; 1000 Genomes Project 30x 0.09291; TOPMed 0.12144; gnomAD 0.12409 and 0.12659; gnomAD exomes 0.12843.
gnomAD v4.1: 188,197 of 1,470,992 alleles (13%); highest among the groups gnomAD compares: Non-Finnish European, 14%; 12,999 homozygotes.

Submissions (3):

Genome-Nilou Lab
Classification: Benign for Miyoshi muscular dystrophy 1. Last evaluated: 2021-06-10. Review status: criteria provided, single submitter. Criteria: ACMG Guidelines, 2015. Collection method: clinical testing. Allele origin: germline. Affected: no.

GeneDx
Classification: Benign. Last evaluated: 2018-06-19. Review status: criteria provided, single submitter. Criteria: GeneDx Variant Classification (06012015). Collection method: clinical testing. Allele origin: germline. Affected: yes.
Comment: This variant is considered likely benign or benign based on one or more of the following criteria: it is a conservative change, it occurs at a poorly conserved position in the protein, it is predicted to be benign by multiple in silico algorithms, and/or has population frequency not consistent with disease.

Breakthrough Genomics
Classification: Benign. Review status: criteria provided, single submitter. Criteria: ACMG Guidelines, 2015. Collection method: not provided. Allele origin: germline. Inheritance: Autosomal recessive inheritance. Affected: yes.